The following is an entry in ClinVar:

ClinVar aggregate classification (germline): Uncertain significance (1 of 4 stars; one submission).

Conditions:
Hereditary cancer-predisposing syndrome. Also called: Hereditary neoplastic syndrome; Neoplastic Syndromes, Hereditary; Tumor predisposition; Hereditary Cancer Syndrome. Identifiers: Orphanet 140162, MedGen C0027672, MeSH D009386, MONDO:0015356.

Submission:

Sema4
Classification: Uncertain significance for Hereditary cancer-predisposing syndrome. Last evaluated: 2021-09-09. Review status: criteria provided, single submitter. Criteria: Sema4 Curation Guidelines. Collection method: curation. Allele origin: germline.
Comment: The CDKN2A c.109C>G (p.P37A) variant has not been reported in the literature to our knowledge. It was not observed in the large and broad cohorts of the Genome Aggregation Database. The variant has not been reported in ClinVar. In silico tools suggest the impact of the variant on protein function is benign, though these predictions have not been confirmed by functional studies. The evidence is insufficient to meet ACMG/AMP criteria for classifying the variant as benign or pathogenic. Thus, the clinical significance of this variant is currently uncertain.

NM_058195.4(CDKN2A):c.109C>G (p.Pro37Ala)

Gene: CDKN2A (cyclin dependent kinase inhibitor 2A; minus strand). Cytogenetic location: 9p21.3.
Variant type: single nucleotide variant.
Coding change: c.109C>G on transcript NM_058195.4 (MANE Plus Clinical); coding-DNA position 109, C replaced by G.
Protein change: p.Pro37Ala; replaces proline 37 with alanine.
Molecular consequence: missense variant. On other transcripts: intron variant (1).
Genome position (GRCh38, 1-based): chr9:21,994,223, G>C on the plus strand (C>G on the coding strand, the complement: CDKN2A is on the minus strand). VCF-style: chr9-21994223-G-C. GRCh37 (hg19) VCF-style: chr9-21994222-G-C.
Other names: c.-4+598C>G (NM_001363763.2); short protein forms P37A.
Identifiers: ClinVar variation 1692060 (VCV001692060.1), dbSNP rs2131148448, ClinGen allele CA373086927.